The following is an entry in ClinVar:

ClinVar aggregate classification (germline): Likely benign (0 of 4 stars; one submission).

Conditions:
NEFL-related disorder. Also called: NEFL-related condition.

Allele frequency attached by ClinVar (database versions not stated): gnomAD exomes below 0.00001.
gnomAD v4.1: 3 of 1,604,922 alleles (0.00019%); highest among the groups gnomAD compares: Admixed American, 0.0017%; no homozygotes.

Submission:

PreventionGenetics, part of Exact Sciences
Classification: Likely benign for NEFL-related condition. Last evaluated: 2020-04-10. Review status: no assertion criteria provided. Collection method: clinical testing. Allele origin: germline.
Comment: This variant is classified as likely benign based on ACMG/AMP sequence variant interpretation guidelines (Richards et al. 2015 PMID: 25741868, with internal and published modifications).

NM_006158.5(NEFL):c.504G>A (p.Glu168=)

Gene: NEFL (neurofilament light chain; minus strand). Cytogenetic location: 8p21.2.
Variant type: single nucleotide variant.
Coding change: c.504G>A on transcript NM_006158.5 (MANE Select); coding-DNA position 504, G replaced by A.
Protein change: p.Glu168=; no amino-acid change (glutamic acid 168 retained).
Molecular consequence: synonymous variant.
Genome position (GRCh38, 1-based): chr8:24,956,012, C>T on the plus strand (G>A on the coding strand, the complement: NEFL is on the minus strand). VCF-style: chr8-24956012-C-T. GRCh37 (hg19) VCF-style: chr8-24813526-C-T.
Identifiers: ClinVar variation 3054513 (VCV003054513.2), dbSNP rs1350432402, ClinGen allele CA460183547.